The following is an entry in ClinVar:

NM_006031.6(PCNT):c.8996+2T>C

Gene: PCNT (pericentrin; plus strand). Cytogenetic location: 21q22.3.
Variant type: single nucleotide variant.
Coding change: c.8996+2T>C on transcript NM_006031.6 (MANE Select); the canonical splice donor site of the intron after coding-DNA position 8996, T replaced by C.
Molecular consequence: splice donor variant.
Genome position (GRCh38, 1-based): chr21:46,436,150, T>C. VCF-style: chr21-46436150-T-C. GRCh37 (hg19) VCF-style: chr21-47856063-T-C.
Other names: c.8405+2T>C (NM_001315529.2).
Identifiers: ClinVar variation 2704477 (VCV002704477.3), dbSNP rs2053438965, ClinGen allele CA410575593.

ClinVar aggregate classification (germline): Likely pathogenic (1 of 4 stars; one submission).

Submission:

Labcorp Genetics (formerly Invitae), Labcorp
Classification: Likely pathogenic. Last evaluated: 2023-12-20. Review status: criteria provided, single submitter. Criteria: Invitae Variant Classification Sherloc (09022015). Collection method: clinical testing. Allele origin: germline.
Comment: This sequence change affects a donor splice site in intron 39 of the PCNT gene. It is expected to disrupt RNA splicing. Variants that disrupt the donor or acceptor splice site typically lead to a loss of protein function (PMID: 16199547), and loss-of-function variants in PCNT are known to be pathogenic (PMID: 18174396, 22821869). This variant is not present in population databases (gnomAD no frequency). This variant has not been reported in the literature in individuals affected with PCNT-related conditions. Algorithms developed to predict the effect of sequence changes on RNA splicing suggest that this variant may disrupt the consensus splice site. In summary, the currently available evidence indicates that the variant is pathogenic, but additional data are needed to prove that conclusively. Therefore, this variant has been classified as Likely Pathogenic.

Literature cited by the submitters: PubMed 16199547; PubMed 18174396; PubMed 22821869.